The following is an entry in ClinVar:

NM_024596.5(MCPH1):c.571del (p.Ser191fs)

Gene: MCPH1 (microcephalin 1; plus strand). Cytogenetic location: 8p23.1.
Variant type: Deletion.
Coding change: c.571del on transcript NM_024596.5 (MANE Select); coding-DNA position 571, one base deleted (T; older notation c.571delT).
Protein change: p.Ser191fs; shifts the reading frame from serine 191.
Molecular consequence: frameshift variant. On other transcripts: non-coding transcript variant (1), intron variant (1).
Genome position (GRCh38, 1-based): chr8:6,439,087, T deleted; the last of 3 consecutive T bases (chr8:6,439,085-6,439,087); deleting any one gives the same sequence. VCF-style (leftmost placement, unchanged base first): chr8-6439084-CT-C. GRCh37 (hg19) VCF-style: chr8-6296605-CT-C.
Other names: c.571del, p.Ser191fs (NM_001172574.2, NM_001322042.2, NM_001363979.1 and 3 more transcripts); c.565del, p.Ser189fs (NM_001322043.2); c.469del, p.Ser157fs (NM_001322045.2); c.436+2925del (NM_001172575.2); short protein forms S189fs, S191fs, S157fs.
Identifiers: ClinVar variation 2977643 (VCV002977643.4), dbSNP rs1205842358, ClinGen allele CA370218717.
Genomic context (GRCh38, chr8:6,439,084, plus strand): 5'-AGTAGGCACCACAGCGCAATGGAGAAGAGATTACAAGAGATGAAGGAGAAAAGGGAAAAT[CT>C]TTCCCCCACCTGTAAGTAATTAGTTTGTAAAATGAAAATTATGCAAATAGCCGATTCAAT-3'

ClinVar aggregate classification (germline): Pathogenic/Likely pathogenic. Review status: criteria provided, multiple submitters, no conflicts (2 of 4 stars). 2 submissions from 2 submitters: Pathogenic (1); Likely pathogenic (1). Last evaluated 2024-06-07.

Conditions:
Microcephaly 1, primary, autosomal recessive (MCPH1). Also called: PREMATURE CHROMOSOME CONDENSATION SYNDROME; PCC SYNDROME; PREMATURE CHROMOSOME CONDENSATION WITH MICROCEPHALY AND MENTAL RETARDATION. Identifiers: Orphanet 2512, MedGen C1855081, MONDO:0009617, OMIM 251200.

Submissions (2):

Fulgent Genetics
Classification: Likely pathogenic for Microcephaly 1, primary, autosomal recessive. Last evaluated: 2024-06-07. Review status: criteria provided, single submitter. Criteria: ACMG Guidelines, 2015. Collection method: clinical testing. Allele origin: germline.

Labcorp Genetics (formerly Invitae), Labcorp
Classification: Pathogenic. Last evaluated: 2023-10-13. Review status: criteria provided, single submitter. Criteria: Invitae Variant Classification Sherloc (09022015). Collection method: clinical testing. Allele origin: germline.
Comment: This sequence change creates a premature translational stop signal (p.Ser191Profs*7) in the MCPH1 gene. It is expected to result in an absent or disrupted protein product. Loss-of-function variants in MCPH1 are known to be pathogenic (PMID: 20978018). This variant is present in population databases (no rsID available, gnomAD 0.01%). This variant has not been reported in the literature in individuals affected with MCPH1-related conditions. For these reasons, this variant has been classified as Pathogenic.

Literature cited by the submitters: PubMed 20978018 (cited by Labcorp Genetics (formerly Invitae), Labcorp).